The following is an entry in ClinVar:

NM_003824.4(FADD):c.547G>T (p.Ala183Ser)

Gene: FADD (Fas associated via death domain; plus strand). Cytogenetic location: 11q13.3.
Variant type: single nucleotide variant.
Coding change: c.547G>T on transcript NM_003824.4 (MANE Select); coding-DNA position 547, G replaced by T.
Protein change: p.Ala183Ser; replaces alanine 183 with serine.
Molecular consequence: missense variant.
Genome position (GRCh38, 1-based): chr11:70,206,393, G>T. VCF-style: chr11-70206393-G-T. GRCh37 (hg19) VCF-style: chr11-70052499-G-T.
Other names: short protein forms A183S.
Identifiers: ClinVar variation 1401800 (VCV001401800.8), dbSNP rs763073852, ClinGen allele CA6158504.

ClinVar aggregate classification (germline): Uncertain significance (1 of 4 stars; one submission).

Conditions:
FADD-related immunodeficiency. Also called: Infections, recurrent, with encephalopathy, hepatic dysfunction, and cardiovascular malformations; FADD DEFICIENCY. Identifiers: Orphanet 306550, MedGen C3151062, MONDO:0013408, OMIM 613759.

Allele frequency attached by ClinVar (database versions not stated): gnomAD exomes below 0.00001; TOPMed below 0.00001; ExAC 0.00001; gnomAD 0.00001.
gnomAD v4.1: 7 of 1,614,034 alleles (0.00043%); highest among the groups gnomAD compares: Non-Finnish European, 0.00051%; no homozygotes.

Submission:

Labcorp Genetics (formerly Invitae), Labcorp
Classification: Uncertain significance for FADD-related immunodeficiency. Last evaluated: 2021-06-19. Review status: criteria provided, single submitter. Criteria: Invitae Variant Classification Sherloc (09022015). Collection method: clinical testing. Allele origin: germline.
Comment: This variant is present in population databases (rs763073852, ExAC 0.002%). This variant has not been reported in the literature in individuals with FADD-related conditions. This sequence change replaces alanine with serine at codon 183 of the FADD protein (p.Ala183Ser). The alanine residue is weakly conserved and there is a moderate physicochemical difference between alanine and serine. Algorithms developed to predict the effect of missense changes on protein structure and function (SIFT, PolyPhen-2, Align-GVGD) all suggest that this variant is likely to be tolerated, but these predictions have not been confirmed by published functional studies and their clinical significance is uncertain. In summary, the available evidence is currently insufficient to determine the role of this variant in disease. Therefore, it has been classified as a Variant of Uncertain Significance.